The following is an entry in ClinVar:

ClinVar aggregate classification (germline): Benign/Likely benign. Review status: criteria provided, multiple submitters, no conflicts (2 of 4 stars). 3 submissions from 3 submitters: Benign (1); Likely benign (2). Last evaluated 2026-01-26.

Allele frequency attached by ClinVar (database versions not stated): gnomAD exomes 0.00031 and 0.00094; ExAC 0.00121; ESP Exome Variant Server 0.00346; gnomAD 0.00367; TOPMed 0.00393; 1000 Genomes Project 0.00399; 1000 Genomes Project 30x 0.00422.
gnomAD v4.1: 1,036 of 1,613,524 alleles (0.064%); highest among the groups gnomAD compares: African/African-American, 1.2%; 6 homozygotes.

Submissions (3):

Labcorp Genetics (formerly Invitae), Labcorp
Classification: Benign. Last evaluated: 2026-01-26. Review status: criteria provided, single submitter. Criteria: Invitae Variant Classification Sherloc (09022015). Collection method: clinical testing. Allele origin: germline.

Mayo Clinic Laboratories, Mayo Clinic
Classification: Likely benign. Last evaluated: 2025-01-20. Review status: criteria provided, single submitter. Criteria: ACMG Guidelines, 2015. Collection method: clinical testing. Allele origin: germline. Observed: 1 variant allele.
Comment: BS1, BP4, BP7

Blueprint Genetics
Classification: Likely benign. Last evaluated: 2024-11-14. Review status: criteria provided, single submitter. Criteria: ACMG Guidelines, 2015. Collection method: clinical testing. Allele origin: germline.

NM_014314.4(RIGI):c.1611C>T (p.Ala537=)

Gene: RIGI (RNA sensor RIG-I; minus strand). Cytogenetic location: 9p21.1.
Variant type: single nucleotide variant.
Coding change: c.1611C>T on transcript NM_014314.4 (MANE Select); coding-DNA position 1611, C replaced by T.
Protein change: p.Ala537=; no amino-acid change (alanine 537 retained).
Molecular consequence: synonymous variant.
Genome position (GRCh38, 1-based): chr9:32,481,367, G>A on the plus strand (C>T on the coding strand, the complement: RIGI is on the minus strand). VCF-style: chr9-32481367-G-A. GRCh37 (hg19) VCF-style: chr9-32481365-G-A.
Other names: p.Ala537=.
Identifiers: ClinVar variation 730407 (VCV000730407.13), dbSNP rs150568623, ClinGen allele CA5019749.
Genomic context (GRCh38, chr9:32,481,367, plus strand): 5'-ACCAGAATACGACTCTTAAAAAGAGGAACGTACCCGCAAATGTGAAGTGTATAAAAACAG[G>A]GCTTTACAAATCCTGCTCTCTTCATCTTTGTCTGGCATCTGGAACACCATGCATGCTTTC-3'
Protein context (NP_055129.2, residues 527-547): DKDEESRICK[Ala537=]LFLYTSHLRK